The following is an entry in ClinVar:

ClinVar aggregate classification (germline): Uncertain significance (1 of 4 stars; one submission).

Allele frequency attached by ClinVar (database versions not stated): TOPMed 0.00001.

Submission:

Labcorp Genetics (formerly Invitae), Labcorp
Classification: Uncertain significance. Last evaluated: 2022-07-06. Review status: criteria provided, single submitter. Criteria: Invitae Variant Classification Sherloc (09022015). Collection method: clinical testing. Allele origin: germline.
Comment: This sequence change replaces threonine, which is neutral and polar, with alanine, which is neutral and non-polar, at codon 846 of the MERTK protein (p.Thr846Ala). This variant is not present in population databases (gnomAD no frequency). This variant has not been reported in the literature in individuals affected with MERTK-related conditions. ClinVar contains an entry for this variant (Variation ID: 1484867). Algorithms developed to predict the effect of missense changes on protein structure and function (SIFT, PolyPhen-2, Align-GVGD) all suggest that this variant is likely to be tolerated. In summary, the available evidence is currently insufficient to determine the role of this variant in disease. Therefore, it has been classified as a Variant of Uncertain Significance.

NM_006343.3(MERTK):c.2536A>G (p.Thr846Ala)

Gene: MERTK (MER proto-oncogene, tyrosine kinase; plus strand). Cytogenetic location: 2q13.
Variant type: single nucleotide variant.
Coding change: c.2536A>G on transcript NM_006343.3 (MANE Select); coding-DNA position 2536, A replaced by G.
Protein change: p.Thr846Ala; replaces threonine 846 with alanine.
Molecular consequence: missense variant.
Genome position (GRCh38, 1-based): chr2:112,028,400, A>G. VCF-style: chr2-112028400-A-G. GRCh37 (hg19) VCF-style: chr2-112785977-A-G.
Other names: short protein forms T846A.
Identifiers: ClinVar variation 1484867 (VCV001484867.5), dbSNP rs1677513523, ClinGen allele CA348242392.